The following is an entry in ClinVar:

NM_001321120.2(TBX4):c.1021G>A (p.Ala341Thr)

Gene: TBX4 (T-box transcription factor 4; plus strand). Cytogenetic location: 17q23.2.
Variant type: single nucleotide variant.
Coding change: c.1021G>A on transcript NM_001321120.2 (MANE Select); coding-DNA position 1021, G replaced by A.
Protein change: p.Ala341Thr; replaces alanine 341 with threonine.
Molecular consequence: missense variant.
Genome position (GRCh38, 1-based): chr17:61,480,319, G>A. VCF-style: chr17-61480319-G-A. GRCh37 (hg19) VCF-style: chr17-59557680-G-A.
Other names: c.1021G>A, p.Asp341Asn (NM_018488.3); short protein forms A341T, D341N.
Identifiers: ClinVar variation 2503113 (VCV002503113.1), dbSNP rs2143862912, ClinGen allele CA400474806.

ClinVar aggregate classification (germline): Uncertain significance (1 of 4 stars; one submission).

Conditions:
Coxopodopatellar syndrome. Also called: SCOTT-TAOR SYNDROME; Small patella syndrome; ISCHIOCOXOPODOPATELLAR SYNDROME WITH OR WITHOUT PULMONARY ARTERIAL HYPERTENSION; Congenital coxa vara, patella aplasia and tarsal synostosis; ISCHIOPATELLAR DYSPLASIA; ISCHIOCOXOPODOPATELLAR SYNDROME. Identifiers: Orphanet 1509, MedGen C1840061, MONDO:0007841, OMIM 147891.

Submission:

Johns Hopkins Genomics, Johns Hopkins University
Classification: Uncertain significance for Coxopodopatellar syndrome. Last evaluated: 2023-03-08. Review status: criteria provided, single submitter. Criteria: ACMG Guidelines, 2015. Collection method: clinical testing. Allele origin: germline.
Comment: This TBX4 variant is absent from a large population dataset and has not been reported in ClinVar nor the literature, to our knowledge. However, a different nucleotide substitution at the same position (c.1021G>C) has been reported in a patient with pulmonary arterial hypertension and signs of small patella syndrome. Three computational tools predict that c.1021G>A results in abnormal splicing, although this has not been confirmed experimentally to our knowledge. We consider the clinical significance of c.1021G>A; p.Asp341Asn in TBX4 to be uncertain at this time.

Literature cited by the submitters: PubMed 32079640; PubMed 35852389.